The following is an entry in ClinVar:

ClinVar aggregate classification (germline): Uncertain significance (1 of 4 stars; one submission).

Conditions:
Hereditary cancer-predisposing syndrome. Also called: Neoplastic Syndromes, Hereditary; Tumor predisposition; Hereditary Cancer Syndrome; Hereditary neoplastic syndrome. Identifiers: Orphanet 140162, MedGen C0027672, MeSH D009386, MONDO:0015356.

gnomAD v4.1: 1 of 1,606,142 alleles (0.000062%); highest among the groups gnomAD compares: African/African-American, 0.0013%; no homozygotes.

Submission:

Ambry Genetics
Classification: Uncertain significance for Hereditary cancer-predisposing syndrome. Last evaluated: 2026-01-23. Review status: criteria provided, single submitter. Criteria: Ambry Variant Classification Scheme 2023. Collection method: clinical testing. Allele origin: germline.
Comment: The p.P82S variant (also known as c.244C>T), located in coding exon 2 of the PHOX2B gene, results from a C to T substitution at nucleotide position 244. The proline at codon 82 is replaced by serine, an amino acid with similar properties. This amino acid position is conserved. In addition, the in silico prediction for this alteration is inconclusive. Based on the available evidence, the clinical significance of this variant remains unclear.

NM_003924.4(PHOX2B):c.244C>T (p.Pro82Ser)

Gene: PHOX2B (paired like homeobox 2B; minus strand). Cytogenetic location: 4p13.
Variant type: single nucleotide variant.
Coding change: c.244C>T on transcript NM_003924.4 (MANE Select); coding-DNA position 244, C replaced by T.
Protein change: p.Pro82Ser; replaces proline 82 with serine.
Molecular consequence: missense variant.
Genome position (GRCh38, 1-based): chr4:41,747,534, G>A on the plus strand (C>T on the coding strand, the complement: PHOX2B is on the minus strand). VCF-style: chr4-41747534-G-A. GRCh37 (hg19) VCF-style: chr4-41749551-G-A.
Other names: short protein forms P82S.
Identifiers: ClinVar variation 4844369 (VCV004844369.1).